The following is an entry in ClinVar:

NM_000384.3(APOB):c.1199G>A (p.Arg400His)

Gene: APOB (apolipoprotein B; minus strand). Cytogenetic location: 2p24.1.
Variant type: single nucleotide variant.
Coding change: c.1199G>A on transcript NM_000384.3 (MANE Select); coding-DNA position 1199, G replaced by A.
Protein change: p.Arg400His; replaces arginine 400 with histidine.
Molecular consequence: missense variant.
Genome position (GRCh38, 1-based): chr2:21,032,507, C>T on the plus strand (G>A on the coding strand, the complement: APOB is on the minus strand). VCF-style: chr2-21032507-C-T. GRCh37 (hg19) VCF-style: chr2-21255379-C-T.
Other names: short protein forms R400H.
Identifiers: ClinVar variation 477795 (VCV000477795.24), dbSNP rs530171166, ClinGen allele CA048554.

ClinVar aggregate classification (germline): Conflicting classifications of pathogenicity. Review status: criteria provided, conflicting classifications (1 of 4 stars). 6 submissions from 5 submitters: Uncertain significance (3); Likely benign (3). Last evaluated 2025-12-16.

Conditions:
Familial hypobetalipoproteinemia 1. Also called: Hypobetalipoproteinemia, normotriglyceridemic; Acanthocytosis with hypobetalipoproteinemia; APOB-Related Familial Hypobetalipoproteinemia. Identifiers: MedGen C4551990, MONDO:0014252, OMIM 615558.
Hypercholesterolemia, autosomal dominant, type B (FHCL2). Also called: Familial Hypercholesterolemia Type B; Hyperlipoproteinemia Type IIb; Familial hypercholesterolemia 2; APOB-Related Familial Hypercholesterolemia, Autosomal Dominant; HYPERCHOLESTEROLEMIA, FAMILIAL, DUE TO LIGAND-DEFECTIVE APOLIPOPROTEIN B; APOLIPOPROTEIN B-100, FAMILIAL DEFECTIVE. Identifiers: MedGen C1704417, MONDO:0007751, OMIM 144010.
Cardiovascular phenotype. Identifiers: MedGen CN230736.

Allele frequency attached by ClinVar (database versions not stated): gnomAD 0.00001 and 0.00006; TOPMed 0.00002; gnomAD exomes 0.00015 and 0.00019; ExAC 0.00020; 1000 Genomes Project 0.00040; 1000 Genomes Project 30x 0.00062.
gnomAD v4.1: 228 of 1,614,154 alleles (0.014%); highest among the groups gnomAD compares: South Asian, 0.16%; 2 homozygotes.

Submissions (6):

Labcorp Genetics (formerly Invitae), Labcorp
Classification: Likely benign for Familial hypobetalipoproteinemia 1; Hypercholesterolemia, autosomal dominant, type B. Last evaluated: 2025-12-16. Review status: criteria provided, single submitter. Criteria: Invitae Variant Classification Sherloc (09022015). Collection method: clinical testing. Allele origin: germline.

Quest Diagnostics Nichols Institute San Juan Capistrano
Classification: Uncertain significance. Last evaluated: 2025-04-22. Review status: criteria provided, single submitter. Criteria: Quest Diagnostics criteria. Collection method: clinical testing. Allele origin: unknown.
Comment: The APOB c.1199G>A (p.Arg400His) variant has been reported in the published literature in at least one individual with familial Hypercholesterolemia (PMIDs: 23054246 (2012) and 24987033 (2014)). The frequency of this variant in the general population (Genome Aggregation Database) is higher than would generally be expected for pathogenic variants in this gene. Analysis of this variant using bioinformatics tools for the prediction of the effect of amino acid changes on protein structure and function yielded conflicting predictions that this variant is deleterious or benign. Based on the available information, we are unable to determine the clinical significance of this variant.

Blueprint Genetics
Classification: Likely benign. Last evaluated: 2024-11-19. Review status: criteria provided, single submitter. Criteria: ACMG Guidelines, 2015. Collection method: clinical testing. Allele origin: germline.

Ambry Genetics
Classification: Likely benign for Cardiovascular phenotype. Last evaluated: 2023-02-02. Review status: criteria provided, single submitter. Criteria: Ambry Variant Classification Scheme 2023. Collection method: clinical testing. Allele origin: germline.

Illumina Laboratory Services, Illumina
Classification: Uncertain significance for Familial hypobetalipoproteinemia 1. Last evaluated: 2018-01-13. Review status: criteria provided, single submitter. Criteria: ICSL Variant Classification Criteria 13 December 2019. Collection method: clinical testing. Allele origin: germline.

Illumina Laboratory Services, Illumina
Classification: Uncertain significance for Hypercholesterolemia, autosomal dominant, type B. Last evaluated: 2018-01-13. Review status: criteria provided, single submitter. Criteria: ICSL Variant Classification Criteria 13 December 2019. Collection method: clinical testing. Allele origin: germline.

Literature cited by the submitters: PubMed 23054246 (cited by Quest Diagnostics Nichols Institute San Juan Capistrano and Ambry Genetics); PubMed 24987033 (cited by Quest Diagnostics Nichols Institute San Juan Capistrano and Ambry Genetics).